The following is an entry in ClinVar:

NM_005732.4(RAD50):c.2221G>A (p.Asp741Asn)

Gene: RAD50 (RAD50 double strand break repair protein; plus strand). Cytogenetic location: 5q31.1.
Variant type: single nucleotide variant.
Coding change: c.2221G>A on transcript NM_005732.4 (MANE Select); coding-DNA position 2221, G replaced by A.
Protein change: p.Asp741Asn; replaces aspartic acid 741 with asparagine.
Molecular consequence: missense variant.
Genome position (GRCh38, 1-based): chr5:132,603,313, G>A. VCF-style: chr5-132603313-G-A. GRCh37 (hg19) VCF-style: chr5-131939005-G-A.
Other names: short protein forms D741N.
Identifiers: ClinVar variation 1719162 (VCV001719162.9), dbSNP rs2479664699, ClinGen allele CA360953685.

ClinVar aggregate classification (germline): Uncertain significance. Review status: criteria provided, multiple submitters, no conflicts (2 of 4 stars). 2 submissions from 2 submitters: Uncertain significance (2). Last evaluated 2024-08-02.

Conditions:
Hereditary cancer-predisposing syndrome. Also called: Hereditary neoplastic syndrome; Neoplastic Syndromes, Hereditary; Hereditary Cancer Syndrome; Tumor predisposition. Identifiers: Orphanet 140162, MedGen C0027672, MeSH D009386, MONDO:0015356.

Submissions (2):

Ambry Genetics
Classification: Uncertain significance for Hereditary cancer-predisposing syndrome. Last evaluated: 2024-08-02. Review status: criteria provided, single submitter. Criteria: Ambry Variant Classification Scheme 2023. Collection method: clinical testing. Allele origin: germline.
Comment: The p.D741N variant (also known as c.2221G>A), located in coding exon 14 of the RAD50 gene, results from a G to A substitution at nucleotide position 2221. The aspartic acid at codon 741 is replaced by asparagine, an amino acid with highly similar properties. This amino acid position is conserved. In addition, this alteration is predicted to be tolerated by in silico analysis. Since supporting evidence is limited at this time, the clinical significance of this alteration remains unclear.

Labcorp Genetics (formerly Invitae), Labcorp
Classification: Uncertain significance for Hereditary cancer-predisposing syndrome. Last evaluated: 2023-06-04. Review status: criteria provided, single submitter. Criteria: Invitae Variant Classification Sherloc (09022015). Collection method: clinical testing. Allele origin: germline.
Comment: This sequence change replaces aspartic acid, which is acidic and polar, with asparagine, which is neutral and polar, at codon 741 of the RAD50 protein (p.Asp741Asn). This variant is not present in population databases (gnomAD no frequency). ClinVar contains an entry for this variant (Variation ID: 1719162). Advanced modeling of protein sequence and biophysical properties (such as structural, functional, and spatial information, amino acid conservation, physicochemical variation, residue mobility, and thermodynamic stability) performed at Invitae indicates that this missense variant is not expected to disrupt RAD50 protein function. In summary, the available evidence is currently insufficient to determine the role of this variant in disease. Therefore, it has been classified as a Variant of Uncertain Significance. This variant has not been reported in the literature in individuals affected with RAD50-related conditions.